The following is an entry in ClinVar:

ClinVar aggregate classification (germline): Likely benign. Review status: criteria provided, multiple submitters, no conflicts (2 of 4 stars). 2 submissions from 2 submitters: Likely benign (2). Last evaluated 2025-09-02.

Conditions:
SIM1-related disorder. Also called: SIM1-related condition; SIM1-related disorders.

Allele frequency attached by ClinVar (database versions not stated): TOPMed 0.00001; ExAC 0.00002; gnomAD 0.00002; 1000 Genomes Project 30x 0.00031; 1000 Genomes Project 0.00040.
gnomAD v4.1: 14 of 1,600,292 alleles (0.00087%); highest among the groups gnomAD compares: Admixed American, 0.0017%; no homozygotes.

Submissions (2):

PreventionGenetics, part of Exact Sciences
Classification: Likely benign for SIM1-related condition. Last evaluated: 2025-09-02. Review status: criteria provided, single submitter. Criteria: ACMG Guidelines, 2015. Collection method: clinical testing. Allele origin: germline.
Comment: This variant is classified as likely benign based on ACMG/AMP sequence variant interpretation guidelines (Richards et al. 2015 PMID: 25741868, with internal and published modifications).

Labcorp Genetics (formerly Invitae), Labcorp
Classification: Likely benign. Last evaluated: 2023-05-19. Review status: criteria provided, single submitter. Criteria: Invitae Variant Classification Sherloc (09022015). Collection method: clinical testing. Allele origin: germline.

NM_005068.3(SIM1):c.1515C>T (p.Ser505=)

Genes: SIM1 (SIM bHLH transcription factor 1; minus strand), SIM1-AS1 (SIM1 antisense RNA 1; plus strand). Cytogenetic location: 6q16.3.
Variant type: single nucleotide variant.
Coding change: c.1515C>T on transcript NM_005068.3 (MANE Select); coding-DNA position 1515, C replaced by T.
Protein change: p.Ser505=; no amino-acid change (serine 505 retained).
Molecular consequence: synonymous variant. On other transcripts: non-coding transcript variant (1).
Genome position (GRCh38, 1-based): chr6:100,393,542, G>A on the plus strand (C>T on the coding strand, the complement: SIM1 is on the minus strand). VCF-style: chr6-100393542-G-A. GRCh37 (hg19) VCF-style: chr6-100841418-G-A.
Other names: c.1515C>T, p.Ser505= (NM_001374769.1); c.1515C>T (NM_005068.2).
Identifiers: ClinVar variation 2979158 (VCV002979158.4), dbSNP rs79156912, ClinGen allele CA3937004.